The following is an entry in ClinVar:

NM_138694.4(PKHD1):c.359del (p.Asn120fs)

Gene: PKHD1 (PKHD1 ciliary IPT domain containing fibrocystin/polyductin; minus strand). Cytogenetic location: 6p12.2.
Variant type: Deletion.
Coding change: c.359del on transcript NM_138694.4 (MANE Select); coding-DNA position 359, one base deleted (A; older notation c.359delA).
Protein change: p.Asn120fs; shifts the reading frame from asparagine 120.
Molecular consequence: frameshift variant.
Genome position (GRCh38, 1-based): chr6:52,079,931, T deleted on the plus strand (A on the coding strand, the reverse complement: PKHD1 is on the minus strand); the first of 3 consecutive T bases (chr6:52,079,931-52,079,933); deleting any one gives the same sequence. VCF-style (leftmost placement, unchanged base first): chr6-52079930-AT-A. GRCh37 (hg19) VCF-style: chr6-51944728-AT-A.
Other names: c.359del, p.Asn120fs (NM_170724.3); short protein forms N120fs.
Identifiers: ClinVar variation 4816639 (VCV004816639.1).

ClinVar aggregate classification (germline): Likely pathogenic (1 of 4 stars; one submission).

Conditions:
Autosomal recessive polycystic kidney disease (ARPKD). Also called: AR polycystic kidney disease. Identifiers: Orphanet 731, Orphanet 8378, MedGen C0085548, MeSH D017044, MONDO:0009889.

Submission:

Natera, Inc.
Classification: Likely pathogenic for Autosomal recessive polycystic kidney disease. Last evaluated: 2025-12-26. Review status: criteria provided, single submitter. Criteria: Natera Variant Classification Schema (03/2026). Collection method: clinical testing. Allele origin: germline.
Comment: The c.359del variant in PKHD1 is a frameshift variant predicted to shift the reading frame beginning at codon 120 and leads to a stop codon 33 codons downstream. This variant is expected to result in nonsense mediated decay, truncation, or a dysfunctional protein product. This variant is rare in the general population with a frequency below the threshold expected for the associated phenotype(s). Given the available evidence, this variant is classified as Likely Pathogenic.